The following is an entry in ClinVar:

ClinVar aggregate classification (germline): Uncertain significance (1 of 4 stars; one submission).

Submission:

CeGaT Center for Human Genetics Tuebingen
Classification: Uncertain significance. Last evaluated: 2026-09-01. Review status: criteria provided, single submitter. Criteria: CeGaT Center For Human Genetics Tuebingen Variant Classification Criteria Version 2. Collection method: clinical testing. Allele origin: germline. Affected: yes. Observed: 1 variant allele.
Comment: TRIO: PM2, BP4

NM_007118.4(TRIO):c.4129-3C>T

Gene: TRIO (trio Rho guanine nucleotide exchange factor; plus strand). Cytogenetic location: 5p15.2.
Variant type: single nucleotide variant.
Coding change: c.4129-3C>T on transcript NM_007118.4 (MANE Select); 3 bases into the intron before coding-DNA position 4129, C replaced by T.
Molecular consequence: intron variant.
Genome position (GRCh38, 1-based): chr5:14,390,898, C>T. VCF-style: chr5-14390898-C-T. GRCh37 (hg19) VCF-style: chr5-14391007-C-T.
Identifiers: ClinVar variation 5041674 (VCV005041674.1).
Genomic context (GRCh38, chr5:14,390,898, plus strand): 5'-GAAAGTTTATCATGCGTTGACTTGTTATGATTTAAATGAGATCTTTTTTTTTTTGGCTTA[C>T]AGGCAGACAAGTTTCAGATGTATGTCACATATTGCAAAAATAAGCCTGATTCTACTCAGC-3'